The following is an entry in ClinVar:

NM_015295.3(SMCHD1):c.5176-40_5176-39del

Gene: SMCHD1 (structural maintenance of chromosomes flexible hinge domain containing 1; plus strand). Cytogenetic location: 18p11.32.
Variant type: Deletion.
Coding change: c.5176-40_5176-39del on transcript NM_015295.3 (MANE Select); 40 bases into the intron before coding-DNA position 5176 through 39 bases into the intron before coding-DNA position 5176, 2 bases deleted (TG; older notation c.5176-40_5176-39delTG).
Molecular consequence: intron variant.
Genome position (GRCh38, 1-based): chr18:2,775,694-2,775,695, TG deleted. VCF-style (leftmost placement, unchanged base first): chr18-2775693-ATG-A. GRCh37 (hg19) VCF-style: chr18-2775691-ATG-A.
Identifiers: ClinVar variation 1687659 (VCV001687659.2), dbSNP rs60477392, ClinGen allele CA8871686.

ClinVar aggregate classification (germline): Likely benign (1 of 4 stars; one submission).

Allele frequency attached by ClinVar (database versions not stated): gnomAD exomes 0.00074 and 0.00181; ExAC 0.00273; gnomAD 0.00884 and 0.00959; TOPMed 0.00989; 1000 Genomes Project 0.01018; ESP Exome Variant Server 0.01068; 1000 Genomes Project 30x 0.01077.

Submission:

GeneDx
Classification: Likely benign. Last evaluated: 2021-05-25. Review status: criteria provided, single submitter. Criteria: GeneDx Variant Classification Process June 2021. Collection method: clinical testing. Allele origin: germline. Affected: yes.
Comment: See Variant Classification Assertion Criteria.